The following is an entry in ClinVar:

ClinVar aggregate classification (germline): Uncertain significance (1 of 4 stars; one submission).

Conditions:
Capillary malformation-arteriovenous malformation syndrome. Also called: Capillary malformation-arteriovenous malformation. Identifiers: Orphanet 137667, MedGen C1842180, MONDO:0012016.

Allele frequency attached by ClinVar (database versions not stated): gnomAD exomes below 0.00001.
gnomAD v4.1: 1 of 1,520,000 alleles (0.000066%); highest among the groups gnomAD compares: Non-Finnish European, 0.000089%; no homozygotes.

Submission:

Labcorp Genetics (formerly Invitae), Labcorp
Classification: Uncertain significance for Capillary malformation-arteriovenous malformation syndrome. Last evaluated: 2025-09-30. Review status: criteria provided, single submitter. Criteria: Invitae Variant Classification Sherloc (09022015). Collection method: clinical testing. Allele origin: germline.
Comment: This sequence change replaces histidine, which is basic and polar, with tyrosine, which is neutral and polar, at codon 599 of the RASA1 protein (p.His599Tyr). This variant is not present in population databases (gnomAD no frequency). This variant has not been reported in the literature in individuals affected with RASA1-related conditions. ClinVar contains an entry for this variant (Variation ID: 1421688). An algorithm developed to predict the effect of missense changes on protein structure and function (PolyPhen-2) suggests that this variant is likely to be tolerated. In summary, the available evidence is currently insufficient to determine the role of this variant in disease. Therefore, it has been classified as a Variant of Uncertain Significance.

NM_002890.3(RASA1):c.1795C>T (p.His599Tyr)

Genes: CCNH (cyclin H; minus strand), RASA1 (RAS p21 protein activator 1; plus strand). Cytogenetic location: 5q14.3.
Variant type: single nucleotide variant.
Coding change: c.1795C>T on transcript NM_002890.3 (MANE Select); coding-DNA position 1795, C replaced by T.
Protein change: p.His599Tyr; replaces histidine 599 with tyrosine.
Molecular consequence: missense variant. On other transcripts: intron variant (1).
Genome position (GRCh38, 1-based): chr5:87,374,181, C>T. VCF-style: chr5-87374181-C-T. GRCh37 (hg19) VCF-style: chr5-86669998-C-T.
Other names: c.1264C>T, p.His422Tyr (NM_022650.3); c.933+20863G>A (NM_001364075.2); short protein forms H422Y, H599Y.
Identifiers: ClinVar variation 1421688 (VCV001421688.9), dbSNP rs2112484750, ClinGen allele CA360373642.